The following is an entry in ClinVar:

ClinVar aggregate classification (germline): Uncertain significance (1 of 4 stars; one submission).

Submission:

Labcorp Genetics (formerly Invitae), Labcorp
Classification: Uncertain significance. Last evaluated: 2021-07-17. Review status: criteria provided, single submitter. Criteria: Invitae Variant Classification Sherloc (09022015). Collection method: clinical testing. Allele origin: germline.
Comment: This sequence change replaces alanine with aspartic acid at codon 1508 of the GPR179 protein (p.Ala1508Asp). The alanine residue is weakly conserved and there is a moderate physicochemical difference between alanine and aspartic acid. This variant is not present in population databases (ExAC no frequency). This variant has not been reported in the literature in individuals affected with GPR179-related conditions. Algorithms developed to predict the effect of missense changes on protein structure and function are either unavailable or do not agree on the potential impact of this missense change (SIFT: "Deleterious"; PolyPhen-2: "Benign"; Align-GVGD: "Class C0"). In summary, the available evidence is currently insufficient to determine the role of this variant in disease. Therefore, it has been classified as a Variant of Uncertain Significance.

NM_001004334.4(GPR179):c.4523C>A (p.Ala1508Asp)

Gene: GPR179 (G protein-coupled receptor 179; minus strand). Cytogenetic location: 17q12.
Variant type: single nucleotide variant.
Coding change: c.4523C>A on transcript NM_001004334.4 (MANE Select); coding-DNA position 4523, C replaced by A.
Protein change: p.Ala1508Asp; replaces alanine 1508 with aspartic acid.
Molecular consequence: missense variant.
Genome position (GRCh38, 1-based): chr17:38,329,046, G>T on the plus strand (C>A on the coding strand, the complement: GPR179 is on the minus strand). VCF-style: chr17-38329046-G-T. GRCh37 (hg19) VCF-style: chr17-36484929-G-T.
Other names: short protein forms A1508D.
Identifiers: ClinVar variation 1476154 (VCV001476154.8), dbSNP rs1837977879, ClinGen allele CA398876688.
Genomic context (GRCh38, chr17:38,329,046, plus strand): 5'-AATTTCTGCACTGCTTTCACAGTTTGTTCCCCCATCTCTCCAAAGCTTCCTTTTCTGGAG[G>T]CTTTTTCCTTTTCTTGAAGAGATTCTCTACCTGTCCCCAGACTCAGCATTTCCTGCCCCA-3'
Protein context (NP_001004334.3, residues 1498-1518): GRESLQEKEK[Ala1508Asp]SRKGSFGEMG